The following is an entry in ClinVar:

NM_025099.6(CTC1):c.*631T>G

Gene: CTC1 (CST telomere replication complex component 1; minus strand). Cytogenetic location: 17p13.1.
Variant type: single nucleotide variant.
Coding change: c.*631T>G on transcript NM_025099.6 (MANE Select); 631 bases downstream of the stop codon, T replaced by G.
Molecular consequence: 3 prime UTR variant. On other transcripts: non-coding transcript variant (1).
Genome position (GRCh38, 1-based): chr17:8,227,549, A>C on the plus strand (T>G on the coding strand, the complement: CTC1 is on the minus strand). VCF-style: chr17-8227549-A-C. GRCh37 (hg19) VCF-style: chr17-8130867-A-C.
Identifiers: ClinVar variation 326051 (VCV000326051.6), dbSNP rs3027247, ClinGen allele CA10650517.
Genomic context (GRCh38, chr17:8,227,549, plus strand): 5'-GCCTGGCACTTGCCTCCCCCTACACCTTCTTTGTGCTTGTGAACACCTCTAGGCATTCAT[A>C]TTTGACTTCCTGCAGGGCCCAGCCTTACTGACTGAGACCATCATAGCTATGCTCTCTGCC-3'

ClinVar aggregate classification (germline): Benign. Review status: criteria provided, multiple submitters, no conflicts (2 of 4 stars). 2 submissions from 2 submitters: Benign (2). Last evaluated 2018-01-13.

Conditions:
Dyskeratosis congenita. Identifiers: Orphanet 1775, MedGen C0265965, MONDO:0015780.

Allele frequency attached by ClinVar (database versions not stated): gnomAD exomes 0.23810; gnomAD 0.26879 and 0.27001; 1000 Genomes Project 30x 0.27311; 1000 Genomes Project 0.27376; TOPMed 0.28407.
gnomAD v4.1: 41,036 of 152,166 alleles (27%); highest among the groups gnomAD compares: Admixed American, 41%; 5,942 homozygotes.

Submissions (2):

Illumina Laboratory Services, Illumina
Classification: Benign for Dyskeratosis congenita. Last evaluated: 2018-01-13. Review status: criteria provided, single submitter. Criteria: ICSL Variant Classification Criteria 13 December 2019. Collection method: clinical testing. Allele origin: germline.
Comment: This variant was observed in the ICSL laboratory as part of a predisposition screen in an ostensibly healthy population. It had not been previously curated by ICSL or reported in the Human Gene Mutation Database (HGMD: prior to June 1st, 2018), and was therefore a candidate for classification through an automated scoring system. Utilizing variant allele frequency, disease prevalence and penetrance estimates, and inheritance mode, an automated score was calculated to assess if this variant is too frequent to cause the disease. Based on the score and internal cut-off values, a variant classified as benign is not then subjected to further curation. The score for this variant resulted in a classification of benign for this disease.

Breakthrough Genomics
Classification: Benign. Review status: criteria provided, single submitter. Criteria: ACMG Guidelines, 2015. Collection method: not provided. Allele origin: germline. Inheritance: Autosomal recessive inheritance. Affected: yes.